The following is an entry in ClinVar:

ClinVar aggregate classification (germline): Uncertain significance (1 of 4 stars; one submission).

Submission:

Labcorp Genetics (formerly Invitae), Labcorp
Classification: Uncertain significance. Last evaluated: 2020-03-14. Review status: criteria provided, single submitter. Criteria: Invitae Variant Classification Sherloc (09022015). Collection method: clinical testing. Allele origin: germline.
Comment: In summary, the available evidence is currently insufficient to determine the role of this variant in disease. Therefore, it has been classified as a Variant of Uncertain Significance. Algorithms developed to predict the effect of missense changes on protein structure and function are either unavailable or do not agree on the potential impact of this missense change (SIFT: "Tolerated"; PolyPhen-2: "Probably Damaging"; Align-GVGD: "Class C0"). This variant has not been reported in the literature in individuals with HOXB13-related conditions. This variant is not present in population databases (ExAC no frequency). This sequence change replaces lysine with glutamic acid at codon 61 of the HOXB13 protein (p.Lys61Glu). The lysine residue is moderately conserved and there is a small physicochemical difference between lysine and glutamic acid.

NM_006361.6(HOXB13):c.181A>G (p.Lys61Glu)

Gene: HOXB13 (homeobox B13; minus strand). Cytogenetic location: 17q21.32.
Variant type: single nucleotide variant.
Coding change: c.181A>G on transcript NM_006361.6 (MANE Select); coding-DNA position 181, A replaced by G.
Protein change: p.Lys61Glu; replaces lysine 61 with glutamic acid.
Molecular consequence: missense variant.
Genome position (GRCh38, 1-based): chr17:48,728,413, T>C on the plus strand (A>G on the coding strand, the complement: HOXB13 is on the minus strand). VCF-style: chr17-48728413-T-C. GRCh37 (hg19) VCF-style: chr17-46805775-T-C.
Other names: short protein forms K61E.
Identifiers: ClinVar variation 1061500 (VCV001061500.9), dbSNP rs2143074191, ClinGen allele CA400108933.
Genomic context (GRCh38, chr17:48,728,413, plus strand): 5'-CATAAGGCACGGGAGCTGGGGACGTCCCCTGGGGCACCCCAGGGCATGGGTGGCATTGCT[T>C]TGGCGGCTCCGCCGAGCCTGGCAGATCCAAGGGGGCATAGTTGACAGCAGGCATCAGCGT-3'
Protein context (NP_006352.2, residues 51-71): LDLPGSAEPP[Lys61Glu]QCHPCPGVPQ